The following is an entry in ClinVar:

ClinVar aggregate classification (germline): Uncertain significance (1 of 4 stars; one submission).

gnomAD v4.1: 3 of 1,612,928 alleles (0.00019%); highest among the groups gnomAD compares: Non-Finnish European, 0.00025%; no homozygotes.

Submission:

Ambry Genetics
Classification: Uncertain significance. Last evaluated: 2022-09-26. Review status: criteria provided, single submitter. Criteria: Ambry Variant Classification Scheme 2023. Collection method: clinical testing. Allele origin: germline.
Comment: The p.R450L variant (also known as c.1349G>T), located in coding exon 13 of the KIF1B gene, results from a G to T substitution at nucleotide position 1349. The arginine at codon 450 is replaced by leucine, an amino acid with dissimilar properties. This amino acid position is conserved. In addition, the in silico prediction for this alteration is inconclusive. Since supporting evidence is limited at this time, the clinical significance of this alteration remains unclear.

NM_001365951.3(KIF1B):c.1487G>T (p.Arg496Leu)

Gene: KIF1B (kinesin family member 1B; plus strand). Cytogenetic location: 1p36.22.
Variant type: single nucleotide variant.
Coding change: c.1487G>T on transcript NM_001365951.3 (MANE Select); coding-DNA position 1487, G replaced by T.
Protein change: p.Arg496Leu; replaces arginine 496 with leucine.
Molecular consequence: missense variant.
Genome position (GRCh38, 1-based): chr1:10,291,134, G>T. VCF-style: chr1-10291134-G-T. GRCh37 (hg19) VCF-style: chr1-10351192-G-T.
Other names: c.1487G>T, p.Arg496Leu (NM_001365952.1); c.1349G>T, p.Arg450Leu (NM_001365953.1, NM_015074.3, NM_183416.4); short protein forms R450L, R496L.
Identifiers: ClinVar variation 1770552 (VCV001770552.2), dbSNP rs1418377932, ClinGen allele CA338313085.